The following is an entry in ClinVar:

NM_000091.5(COL4A3):c.468+10T>G

Genes: COL4A3 (collagen type IV alpha 3 chain; plus strand), MFF-DT (MFF divergent transcript; minus strand). Cytogenetic location: 2q36.3.
Variant type: single nucleotide variant.
Coding change: c.468+10T>G on transcript NM_000091.5 (MANE Select); 10 bases into the intron after coding-DNA position 468, T replaced by G.
Molecular consequence: intron variant.
Genome position (GRCh38, 1-based): chr2:227,247,594, T>G. VCF-style: chr2-227247594-T-G. GRCh37 (hg19) VCF-style: chr2-228112310-T-G.
Other names: c.468+10T>G (NM_000091.4).
Identifiers: ClinVar variation 1528871 (VCV001528871.11), dbSNP rs760951747, ClinGen allele CA1332835791.
Genomic context (GRCh38, chr2:227,247,594, plus strand): 5'-GTTCATAGGTTGCTTTTTTCCTAGGGTGCTGCTGGTTTGAAAGGACAAAAGGTAAGTCAT[T>G]GGTGGAATGCTGTCACTGAAAATCTCTAACTGTACATATGAAAAGGACGTCTATTAAATA-3'

ClinVar aggregate classification (germline): Likely benign. Review status: criteria provided, multiple submitters, no conflicts (2 of 4 stars). 3 submissions from 3 submitters: Likely benign (2). 1 of the submissions does not count toward it. Last evaluated 2024-09-11.

Conditions:
COL4A3-related disorder. Also called: COL4A3-Related Disorders; COL4A3-related condition.

Allele frequency attached by ClinVar (database versions not stated): gnomAD exomes 0.00001.
gnomAD v4.1: 5 of 1,613,982 alleles (0.00031%); highest among the groups gnomAD compares: Admixed American, 0.0017%; no homozygotes.

Submissions (3):

Blueprint Genetics
Classification: Likely benign. Last evaluated: 2024-09-11. Review status: criteria provided, single submitter. Criteria: ACMG Guidelines, 2015. Collection method: clinical testing. Allele origin: germline.

Labcorp Genetics (formerly Invitae), Labcorp
Classification: Likely benign. Last evaluated: 2022-12-02. Review status: criteria provided, single submitter. Criteria: Invitae Variant Classification Sherloc (09022015). Collection method: clinical testing. Allele origin: germline.

PreventionGenetics, part of Exact Sciences
Classification: Likely benign for COL4A3-related condition. Last evaluated: 2019-10-28. Review status: no assertion criteria provided. Collection method: clinical testing. Allele origin: germline. Not counted in ClinVar's aggregate classification.
Comment: This variant is classified as likely benign based on ACMG/AMP sequence variant interpretation guidelines (Richards et al. 2015 PMID: 25741868, with internal and published modifications).